The following is an entry in ClinVar:

NM_001267550.2(TTN):c.105851C>G (p.Ala35284Gly)

Genes: TTN (titin; minus strand), TTN-AS1 (TTN antisense RNA 1; plus strand), LOC129935183 (ATAC-STARR-seq lymphoblastoid active region 16808; plus strand). Cytogenetic location: 2q31.2.
Variant type: single nucleotide variant.
Coding change: c.105851C>G on transcript NM_001267550.2 (MANE Select); coding-DNA position 105851, C replaced by G.
Protein change: p.Ala35284Gly; replaces alanine 35284 with glycine.
Molecular consequence: missense variant.
Genome position (GRCh38, 1-based): chr2:178,530,764, G>C on the plus strand (C>G on the coding strand, the complement: TTN is on the minus strand). VCF-style: chr2-178530764-G-C. GRCh37 (hg19) VCF-style: chr2-179395491-G-C.
Other names: c.100928C>G, p.Ala33643Gly (NM_001256850.1); c.79232C>G, p.Ala26411Gly (NM_133437.4); c.78656C>G, p.Ala26219Gly (NM_003319.4); c.98147C>G, p.Ala32716Gly (NM_133378.4); c.79031C>G, p.Ala26344Gly (NM_133432.3); short protein forms A35284G, A26411G, A26344G, A32716G, A33643G, A26219G.
Identifiers: ClinVar variation 466742 (VCV000466742.7), dbSNP rs1553484434, ClinGen allele CA349407612.

ClinVar aggregate classification (germline): Uncertain significance (1 of 4 stars; one submission).

Conditions:
Autosomal recessive limb-girdle muscular dystrophy type 2J (LGMDR10). Also called: Limb-girdle muscular dystrophy, type 2J; MUSCULAR DYSTROPHY, LIMB-GIRDLE, AUTOSOMAL RECESSIVE 10. Identifiers: Orphanet 140922, MedGen C1837342, MONDO:0012127, OMIM 608807.
Dilated cardiomyopathy 1G (CMD1G). Identifiers: Orphanet 154, MedGen C1858763, MONDO:0011400, OMIM 604145.

Submission:

Labcorp Genetics (formerly Invitae), Labcorp
Classification: Uncertain significance for Dilated cardiomyopathy 1G; Autosomal recessive limb-girdle muscular dystrophy type 2J. Last evaluated: 2017-04-29. Review status: criteria provided, single submitter. Criteria: Invitae Variant Classification Sherloc (09022015). Collection method: clinical testing. Allele origin: germline.
Comment: In summary, this variant is a novel missense change with uncertain impact on protein function. It has been classified as a Variant of Uncertain Significance. Algorithms developed to predict the effect of missense changes on protein structure and function are unavailable for the TTN gene This variant identified in the TTN gene is located in the M-band of the resulting protein (PMID: 25589632). It is unclear how this variant impacts the function of this protein This variant is not present in population databases (ExAC no frequency) and has not been reported in the literature in individuals with a TTN-related disease. This sequence change replaces alanine with glycine at codon 35284 of the TTN protein (p.Ala35284Gly). The alanine residue is moderately conserved and there is a small physicochemical difference between alanine and glycine.

Literature cited by the submitters: PubMed 25589632.